The following is an entry in ClinVar:

NM_003859.3(DPM1):c.94C>T (p.Pro32Ser)

Genes: DPM1 (dolichyl-phosphate mannosyltransferase subunit 1, catalytic; minus strand), LOC130066166 (ATAC-STARR-seq lymphoblastoid active region 18108; plus strand). Cytogenetic location: 20q13.13.
Variant type: single nucleotide variant.
Coding change: c.94C>T on transcript NM_003859.3 (MANE Select); coding-DNA position 94, C replaced by T.
Protein change: p.Pro32Ser; replaces proline 32 with serine.
Molecular consequence: missense variant. On other transcripts: non-coding transcript variant (1).
Genome position (GRCh38, 1-based): chr20:50,958,430, G>A on the plus strand (C>T on the coding strand, the complement: DPM1 is on the minus strand). VCF-style: chr20-50958430-G-A. GRCh37 (hg19) VCF-style: chr20-49574967-G-A.
Other names: c.94C>T, p.Pro32Ser (NM_001317034.1, NM_001317035.1, NM_001317036.1); short protein forms P32S.
Identifiers: ClinVar variation 1716536 (VCV001716536.6), dbSNP rs2515741109, ClinGen allele CA408980875.

ClinVar aggregate classification (germline): Uncertain significance (1 of 4 stars; one submission).

Conditions:
Congenital disorder of glycosylation type 1E (CDG1E). Also called: CONGENITAL DISORDER OF GLYCOSYLATION, TYPE Ie; CDG Ie. Identifiers: Orphanet 79322, MedGen C1837396, MONDO:0012123, OMIM 608799.

Submission:

Labcorp Genetics (formerly Invitae), Labcorp
Classification: Uncertain significance for Congenital disorder of glycosylation type 1E. Last evaluated: 2022-08-16. Review status: criteria provided, single submitter. Criteria: Invitae Variant Classification Sherloc (09022015). Collection method: clinical testing. Allele origin: germline.
Comment: In summary, the available evidence is currently insufficient to determine the role of this variant in disease. Therefore, it has been classified as a Variant of Uncertain Significance. Algorithms developed to predict the effect of missense changes on protein structure and function are either unavailable or do not agree on the potential impact of this missense change (SIFT: "Deleterious"; PolyPhen-2: "Probably Damaging"; Align-GVGD: "Class C0"). This variant has not been reported in the literature in individuals affected with DPM1-related conditions. This variant is not present in population databases (gnomAD no frequency). This sequence change replaces proline, which is neutral and non-polar, with serine, which is neutral and polar, at codon 32 of the DPM1 protein (p.Pro32Ser).